The following is an entry in ClinVar:

ClinVar aggregate classification (germline): Uncertain significance (1 of 4 stars; one submission).

Conditions:
Familial melanoma. Also called: Hereditary melanoma; Hereditary cutaneous melanoma. Identifiers: Orphanet 618, MedGen C1512419, MONDO:0018961.

Submission:

Labcorp Genetics (formerly Invitae), Labcorp
Classification: Uncertain significance for Familial melanoma. Last evaluated: 2023-09-06. Review status: criteria provided, single submitter. Criteria: Invitae Variant Classification Sherloc (09022015). Collection method: clinical testing. Allele origin: germline.
Comment: In summary, the available evidence is currently insufficient to determine the role of this variant in disease. Therefore, it has been classified as a Variant of Uncertain Significance. An algorithm developed to predict the effect of missense changes on protein structure and function (PolyPhen-2) suggests that this variant is likely to be disruptive. This variant has not been reported in the literature in individuals affected with CDK4-related conditions. This variant is not present in population databases (gnomAD no frequency). This sequence change replaces asparagine, which is neutral and polar, with lysine, which is basic and polar, at codon 279 of the CDK4 protein (p.Asn279Lys).

NM_000075.4(CDK4):c.837C>G (p.Asn279Lys)

Genes: CDK4 (cyclin dependent kinase 4; minus strand), TSPAN31 (tetraspanin 31; plus strand). Cytogenetic location: 12q14.1.
Variant type: single nucleotide variant.
Coding change: c.837C>G on transcript NM_000075.4 (MANE Select); coding-DNA position 837, C replaced by G.
Protein change: p.Asn279Lys; replaces asparagine 279 with lysine.
Molecular consequence: missense variant. On other transcripts: 3 prime UTR variant (3).
Genome position (GRCh38, 1-based): chr12:57,748,600, G>C on the plus strand (C>G on the coding strand, the complement: CDK4 is on the minus strand). VCF-style: chr12-57748600-G-C. GRCh37 (hg19) VCF-style: chr12-58142383-G-C.
Other names: c.*1310G>C (NM_001330168.2, NM_001330169.2, NM_005981.5); short protein forms N279K.
Identifiers: ClinVar variation 2758428 (VCV002758428.3), dbSNP rs2140381234, ClinGen allele CA385542555.